The following is an entry in ClinVar:

NM_001005242.3(PKP2):c.1673A>G (p.Lys558Arg)

Gene: PKP2 (plakophilin 2; minus strand). Cytogenetic location: 12p11.21.
Variant type: single nucleotide variant.
Coding change: c.1673A>G on transcript NM_001005242.3 (MANE Select); coding-DNA position 1673, A replaced by G.
Protein change: p.Lys558Arg; replaces lysine 558 with arginine.
Molecular consequence: missense variant.
Genome position (GRCh38, 1-based): chr12:32,824,046, T>C on the plus strand (A>G on the coding strand, the complement: PKP2 is on the minus strand). VCF-style: chr12-32824046-T-C. GRCh37 (hg19) VCF-style: chr12-32976980-T-C.
Other names: c.1673A>G, p.Lys558Arg (NM_001407155.1, NM_001407156.1, NM_001407161.1); c.1805A>G, p.Lys602Arg (NM_001407157.1, NM_004572.4); c.1346A>G, p.Lys449Arg (NM_001407158.1, NM_001407159.1, NM_001407160.1 and 1 more transcripts); short protein forms K449R, K558R, K602R.
Identifiers: ClinVar variation 3071637 (VCV003071637.1), dbSNP rs2541234458, ClinGen allele CA384364417.

ClinVar aggregate classification (germline): Uncertain significance (1 of 4 stars; one submission).

Conditions:
Arrhythmogenic right ventricular cardiomyopathy (ARVD). Also called: Arrhythmogenic right ventricular dysplasia; Cardiomyopathy, ARVC; Arrhythmogenic cardiomyopathy; Arrhythmogenic Right Ventricular Cardiomyopathy (ARVC). Identifiers: Orphanet 247, MedGen C0349788, MeSH D019571, MONDO:0016587. Disease mechanism: loss of function. Inheritance: Various modes of inheritance.

Allele frequency attached by ClinVar (database versions not stated): gnomAD exomes below 0.00001.
gnomAD v4.1: 3 of 1,532,850 alleles (0.0002%); highest among the groups gnomAD compares: East Asian, 0.0022%; no homozygotes.

Submission:

All of Us Research Program, National Institutes of Health
Classification: Uncertain significance for Arrhythmogenic right ventricular cardiomyopathy. Last evaluated: 2023-06-08. Review status: criteria provided, single submitter. Criteria: ACMG Guidelines, 2015. Collection method: clinical testing. Allele origin: germline. Inheritance: Autosomal dominant inheritance. Observed: 1 variant allele, 1 heterozygote.
Comment: This missense variant replaces lysine with arginine at codon 602 of the PKP2 protein. Computational prediction suggests that this variant may have deleterious impact on protein structure and function (internally defined REVEL score threshold >= 0.7, PMID: 27666373). To our knowledge, functional studies have not been reported for this variant. This variant has not been reported in individuals affected with PKP2-related disorders in the literature. This variant has not been identified in the general population by the Genome Aggregation Database (gnomAD). The available evidence is insufficient to determine the role of this variant in disease conclusively. Therefore, this variant is classified as a Variant of Uncertain Significance.

This study involves interpretation of variants in research participants for the purpose of population health screening. Participant phenotype was not available at the time of variant classification. Additional details can be found in publication PMID: 35346344, PMCID: PMC8962531